The following is an entry in ClinVar:

ClinVar aggregate classification (germline): Conflicting classifications of pathogenicity. Review status: criteria provided, conflicting classifications (1 of 4 stars). 4 submissions from 4 submitters: Uncertain significance (3); Likely benign (1). Last evaluated 2026-05-06.

Conditions:
ADGRV1-related disorder. Also called: ADGRV1-related condition; ADGRV1-related disorders.
Inborn genetic diseases. Identifiers: MedGen C0950123, MeSH D030342.

Allele frequency attached by ClinVar (database versions not stated): 1000 Genomes Project 30x 0.00062; ExAC 0.00006; gnomAD exomes 0.00006; gnomAD 0.00013 and 0.00014; TOPMed 0.00031; 1000 Genomes Project 0.00060.
gnomAD v4.1: 58 of 1,599,728 alleles (0.0036%); highest among the groups gnomAD compares: Admixed American, 0.072%; no homozygotes.

Submissions (4):

Ambry Genetics
Classification: Uncertain significance for Inborn genetic diseases. Last evaluated: 2026-05-06. Review status: criteria provided, single submitter. Criteria: Ambry Variant Classification Scheme 2023. Collection method: clinical testing. Allele origin: germline.

PreventionGenetics, part of Exact Sciences
Classification: Uncertain significance for ADGRV1-related condition. Last evaluated: 2026-04-06. Review status: criteria provided, single submitter. Criteria: ACMG Guidelines, 2015. Collection method: clinical testing. Allele origin: germline.
Comment: The ADGRV1 c.12369A>G variant is predicted to result in the amino acid substitution p.Ile4123Met. To our knowledge, this variant has not been reported in the literature. This variant is reported in 0.041% of alleles in individuals of Latino descent in gnomAD. At this time, the clinical significance of this variant is uncertain due to the absence of conclusive functional and genetic evidence.

Labcorp Genetics (formerly Invitae), Labcorp
Classification: Likely benign. Last evaluated: 2025-12-24. Review status: criteria provided, single submitter. Criteria: Invitae Variant Classification Sherloc (09022015). Collection method: clinical testing. Allele origin: germline.

GeneDx
Classification: Uncertain significance. Last evaluated: 2025-05-15. Review status: criteria provided, single submitter. Criteria: GeneDx Variant Classification Process June 2021. Collection method: clinical testing. Allele origin: germline.
Comment: In silico analysis suggests that this missense variant does not alter protein structure/function; Has not been previously published as pathogenic or benign to our knowledge

NM_032119.4(ADGRV1):c.12369A>G (p.Ile4123Met)

Gene: ADGRV1 (adhesion G protein-coupled receptor V1; plus strand). Cytogenetic location: 5q14.3.
Variant type: single nucleotide variant.
Coding change: c.12369A>G on transcript NM_032119.4 (MANE Select); coding-DNA position 12369, A replaced by G.
Protein change: p.Ile4123Met; replaces isoleucine 4123 with methionine.
Molecular consequence: missense variant. On other transcripts: non-coding transcript variant (1).
Genome position (GRCh38, 1-based): chr5:90,774,269, A>G. VCF-style: chr5-90774269-A-G. GRCh37 (hg19) VCF-style: chr5-90070086-A-G.
Other names: short protein forms I4123M.
Identifiers: ClinVar variation 852570 (VCV000852570.13), dbSNP rs202228562, ClinGen allele CA3341226.